The following is an entry in ClinVar:

ClinVar aggregate classification (germline): Uncertain significance (1 of 4 stars; one submission).

Conditions:
Autosomal recessive ataxia, Beauce type. Also called: SYNE1 Deficiency; Spinocerebellar ataxia, autosomal recessive 8; ATAXIA, RECESSIVE, OF BEAUCE; SYNE1-Related Autosomal Recessive Cerebellar Ataxia. Identifiers: Orphanet 88644, MedGen C1853116, MONDO:0012549, OMIM 610743.
Emery-Dreifuss muscular dystrophy 4, autosomal dominant (EDMD4). Also called: EMERY-DREIFUSS MUSCULAR DYSTROPHY 4 WITH VARIABLE FEATURES. Identifiers: Orphanet 261, MedGen C2751807, MONDO:0013071, OMIM 612998.

Submission:

Labcorp Genetics (formerly Invitae), Labcorp
Classification: Uncertain significance for Emery-Dreifuss muscular dystrophy 4, autosomal dominant; Autosomal recessive ataxia, Beauce type. Last evaluated: 2022-08-09. Review status: criteria provided, single submitter. Criteria: Invitae Variant Classification Sherloc (09022015). Collection method: clinical testing. Allele origin: germline.
Comment: Algorithms developed to predict the effect of missense changes on protein structure and function are either unavailable or do not agree on the potential impact of this missense change (SIFT: "Deleterious"; PolyPhen-2: "Possibly Damaging"; Align-GVGD: "Class C0"). In summary, the available evidence is currently insufficient to determine the role of this variant in disease. Therefore, it has been classified as a Variant of Uncertain Significance. This variant has not been reported in the literature in individuals affected with SYNE1-related conditions. This variant is not present in population databases (gnomAD no frequency). This sequence change replaces lysine, which is basic and polar, with asparagine, which is neutral and polar, at codon 8551 of the SYNE1 protein (p.Lys8551Asn).

NM_182961.4(SYNE1):c.25797G>T (p.Lys8599Asn)

Gene: SYNE1 (spectrin repeat containing nuclear envelope protein 1; minus strand). Cytogenetic location: 6q25.2.
Variant type: single nucleotide variant.
Coding change: c.25797G>T on transcript NM_182961.4 (MANE Select); coding-DNA position 25797, G replaced by T.
Protein change: p.Lys8599Asn; replaces lysine 8599 with asparagine.
Molecular consequence: missense variant.
Genome position (GRCh38, 1-based): chr6:152,133,480, C>A on the plus strand (G>T on the coding strand, the complement: SYNE1 is on the minus strand). VCF-style: chr6-152133480-C-A. GRCh37 (hg19) VCF-style: chr6-152454615-C-A.
Other names: c.2403G>T, p.Lys801Asn (NM_001347701.2); c.2331G>T, p.Lys777Asn (NM_001347702.2); c.25653G>T, p.Lys8551Asn (NM_033071.5); short protein forms K801N, K8551N, K777N, K8599N.
Identifiers: ClinVar variation 2004842 (VCV002004842.4), dbSNP rs2549469367, ClinGen allele CA366077524.